The following is an entry in ClinVar:

ClinVar aggregate classification (germline): Uncertain significance. Review status: criteria provided, multiple submitters, no conflicts (2 of 4 stars). 2 submissions from 2 submitters: Uncertain significance (2). Last evaluated 2025-11-07.

Conditions:
Hereditary cancer-predisposing syndrome. Also called: Hereditary Cancer Syndrome; Neoplastic Syndromes, Hereditary; Tumor predisposition; Hereditary neoplastic syndrome. Identifiers: Orphanet 140162, MedGen C0027672, MeSH D009386, MONDO:0015356.
Fanconi anemia complementation group J. Also called: BRIP1-Related Fanconi Anemia. Identifiers: Orphanet 84, MedGen C1836860, MONDO:0012187, OMIM 609054.
Familial cancer of breast. Also called: Hereditary breast cancer; hereditary breast carcinoma; BREAST CANCER, FAMILIAL. Identifiers: Orphanet 227535, MedGen C0346153, MONDO:0016419, OMIM 114480. Disease mechanism: loss of function.

Submissions (2):

Ambry Genetics
Classification: Uncertain significance for Hereditary cancer-predisposing syndrome. Last evaluated: 2025-11-07. Review status: criteria provided, single submitter. Criteria: Ambry Variant Classification Scheme 2023. Collection method: clinical testing. Allele origin: germline.
Comment: The p.G35A variant (also known as c.104G>C), located in coding exon 2 of the BRIP1 gene, results from a G to C substitution at nucleotide position 104. The glycine at codon 35 is replaced by alanine, an amino acid with similar properties. This amino acid position is highly conserved in available vertebrate species. In addition, the in silico prediction for this alteration is inconclusive. Based on the available evidence, the clinical significance of this variant remains unclear.

Labcorp Genetics (formerly Invitae), Labcorp
Classification: Uncertain significance for Familial cancer of breast; Fanconi anemia complementation group J. Last evaluated: 2025-09-16. Review status: criteria provided, single submitter. Criteria: Invitae Variant Classification Sherloc (09022015). Collection method: clinical testing. Allele origin: germline.
Comment: This sequence change replaces glycine, which is neutral and non-polar, with alanine, which is neutral and non-polar, at codon 35 of the BRIP1 protein (p.Gly35Ala). This variant is not present in population databases (gnomAD no frequency). This variant has not been reported in the literature in individuals affected with BRIP1-related conditions. ClinVar contains an entry for this variant (Variation ID: 231453). Invitae Evidence Modeling of protein sequence and biophysical properties (such as structural, functional, and spatial information, amino acid conservation, physicochemical variation, residue mobility, and thermodynamic stability) has been performed for this missense variant. However, the output from this modeling did not meet the statistical confidence thresholds required to predict the impact of this variant on BRIP1 protein function. In summary, the available evidence is currently insufficient to determine the role of this variant in disease. Therefore, it has been classified as a Variant of Uncertain Significance.

NM_032043.3(BRIP1):c.104G>C (p.Gly35Ala)

Gene: BRIP1 (BRCA1 interacting DNA helicase 1; minus strand). Cytogenetic location: 17q23.2.
Variant type: single nucleotide variant.
Coding change: c.104G>C on transcript NM_032043.3 (MANE Select); coding-DNA position 104, G replaced by C.
Protein change: p.Gly35Ala; replaces glycine 35 with alanine.
Molecular consequence: missense variant.
Genome position (GRCh38, 1-based): chr17:61,859,897, C>G on the plus strand (G>C on the coding strand, the complement: BRIP1 is on the minus strand). VCF-style: chr17-61859897-C-G. GRCh37 (hg19) VCF-style: chr17-59937258-C-G.
Other names: short protein forms G35A.
Identifiers: ClinVar variation 231453 (VCV000231453.7), dbSNP rs876659168, ClinGen allele CA10580894.